The following is an entry in ClinVar:

ClinVar aggregate classification (germline): Pathogenic (1 of 4 stars; one submission).

Conditions:
Mucopolysaccharidosis, MPS-III-B (MPS3B). Also called: N-ACETYL-ALPHA-D-GLUCOSAMINIDASE DEFICIENCY; NAGLU DEFICIENCY; SANFILIPPO SYNDROME B; MPS III B; MUCOPOLYSACCHARIDOSIS, TYPE IIIB; Mucopolysaccharidosis type IIIB (Sanfilippo B). Identifiers: Orphanet 79270, MedGen C0086648, MONDO:0009656, OMIM 252920.

Submission:

Myriad Genetics, Inc.
Classification: Pathogenic for Mucopolysaccharidosis, MPS-III-B. Last evaluated: 2023-09-27. Review status: criteria provided, single submitter. Criteria: Myriad Autosomal Dominant, Autosomal Recessive and X-Linked Classification Criteria (2023). Collection method: clinical testing. Allele origin: unknown.
Comment: NM_000263.3(NAGLU):c.334dupC(R112Pfs*80) is expected to be pathogenic in the context of mucopolysaccharidosis type IIIB. This variant is predicted to lead to an abnormal or absent protein product due to the creation of a premature termination codon in NAGLU, a gene where loss-of-function variants are known to be pathogenic. Please note: this variant was assessed in the context of healthy population screening.

NM_000263.4(NAGLU):c.334dup (p.Arg112fs)

Gene: NAGLU (N-acetyl-alpha-glucosaminidase; plus strand). Cytogenetic location: 17q21.2.
Variant type: Duplication.
Coding change: c.334dup on transcript NM_000263.4 (MANE Select); coding-DNA position 334, one base duplicated (C; older notation c.334dupC).
Protein change: p.Arg112fs; shifts the reading frame from arginine 112.
Molecular consequence: frameshift variant.
Genome position (GRCh38, 1-based): chr17:42,536,606, C duplicated. VCF-style (leftmost placement, unchanged base first): chr17-42536605-G-GC. GRCh37 (hg19) VCF-style: chr17-40688623-G-GC.
Other names: short protein forms R112fs.
Identifiers: ClinVar variation 5012136 (VCV005012136.1).